The following is an entry in ClinVar:

NM_006767.4(LZTR1):c.2219+60A>G

Gene: LZTR1 (leucine zipper like post translational regulator 1; plus strand). Cytogenetic location: 22q11.21.
Variant type: single nucleotide variant.
Coding change: c.2219+60A>G on transcript NM_006767.4 (MANE Select); 60 bases into the intron after coding-DNA position 2219, A replaced by G.
Molecular consequence: intron variant.
Genome position (GRCh38, 1-based): chr22:20,996,172, A>G. VCF-style: chr22-20996172-A-G. GRCh37 (hg19) VCF-style: chr22-21350461-A-G.
Identifiers: ClinVar variation 561419 (VCV000561419.2), dbSNP rs178294, ClinGen allele CA14934946.

ClinVar aggregate classification (germline): Benign. Review status: criteria provided, multiple submitters, no conflicts (2 of 4 stars). 2 submissions from 2 submitters: Benign (2). Last evaluated 2018-06-14.

Allele frequency attached by ClinVar (database versions not stated): 1000 Genomes Project 0.75439; 1000 Genomes Project 30x 0.75999; gnomAD exomes 0.76670; gnomAD 0.79139 and 0.79974; TOPMed 0.81403.
gnomAD v4.1: 1,214,453 of 1,579,810 alleles (77%); highest among the groups gnomAD compares: African/African-American, 89%; 469,616 homozygotes.

Submissions (2):

GeneDx
Classification: Benign. Last evaluated: 2018-06-14. Review status: criteria provided, single submitter. Criteria: GeneDx Variant Classification (06012015). Collection method: clinical testing. Allele origin: germline. Affected: yes.
Comment: This variant is considered likely benign or benign based on one or more of the following criteria: it is a conservative change, it occurs at a poorly conserved position in the protein, it is predicted to be benign by multiple in silico algorithms, and/or has population frequency not consistent with disease.

Breakthrough Genomics
Classification: Benign. Review status: criteria provided, single submitter. Criteria: ACMG Guidelines, 2015. Collection method: not provided. Allele origin: germline. Inheritance: Autosomal recessive inheritance. Affected: yes.